The following is an entry in ClinVar:

ClinVar aggregate classification (germline): Likely pathogenic (1 of 4 stars; one submission).

Submission:

Mayo Clinic Laboratories, Mayo Clinic
Classification: Likely pathogenic. Last evaluated: 2025-08-14. Review status: criteria provided, single submitter. Criteria: ACMG Guidelines, 2015. Collection method: clinical testing. Allele origin: germline. Observed: 1 variant allele.
Comment: PM2_supporting, PVS1

NM_000466.3(PEX1):c.1174del (p.Glu392fs)

Gene: PEX1 (peroxisomal biogenesis factor 1; minus strand). Cytogenetic location: 7q21.2.
Variant type: Deletion.
Coding change: c.1174del on transcript NM_000466.3 (MANE Select); coding-DNA position 1174, one base deleted (G; older notation c.1174delG).
Protein change: p.Glu392fs; shifts the reading frame from glutamic acid 392.
Molecular consequence: frameshift variant.
Genome position (GRCh38, 1-based): chr7:92,517,341, C deleted on the plus strand (G on the coding strand, the reverse complement: PEX1 is on the minus strand). VCF-style (leftmost placement, unchanged base first): chr7-92517340-TC-T. GRCh37 (hg19) VCF-style: chr7-92146654-TC-T.
Other names: p.Glu392Lysfs*3; c.1174del, p.Glu392fs (NM_001282677.2); c.550del, p.Glu184fs (NM_001282678.2); short protein forms E184fs, E392fs.
Identifiers: ClinVar variation 4541308 (VCV004541308.1).